The following is an entry in ClinVar:

NM_000548.5(TSC2):c.2267G>C (p.Gly756Ala)

Gene: TSC2 (TSC complex subunit 2; plus strand). Cytogenetic location: 16p13.3.
Variant type: single nucleotide variant.
Coding change: c.2267G>C on transcript NM_000548.5 (MANE Select); coding-DNA position 2267, G replaced by C.
Protein change: p.Gly756Ala; replaces glycine 756 with alanine.
Molecular consequence: missense variant. On other transcripts: non-coding transcript variant (5).
Genome position (GRCh38, 1-based): chr16:2,072,895, G>C. VCF-style: chr16-2072895-G-C. GRCh37 (hg19) VCF-style: chr16-2122896-G-C.
Other names: c.2156G>C, p.Gly719Ala (NM_001406678.1, NM_001318827.2, NM_001406670.1); c.2120G>C, p.Gly707Ala (NM_001406679.1, NM_001318829.2, NM_001406675.1 and 1 more transcripts); c.1667G>C, p.Gly556Ala (NM_001406680.1, NM_001406682.1, NM_001406683.1 and 6 more transcripts); c.1805G>C, p.Gly602Ala (NM_001406681.1); c.2267G>C, p.Gly756Ala (NM_001077183.3, NM_001114382.3, NM_001363528.2 and 6 more transcripts); c.2300G>C, p.Gly767Ala (NM_001318832.2); c.2357G>C, p.Gly786Ala (NM_001406667.1, NM_001406668.1); c.2255G>C, p.Gly752Ala (NM_001406671.1, NM_001406673.1); and 3 more; short protein forms G556A, G767A, G719A, G756A, G786A, G707A, G737A, G222A.
Identifiers: ClinVar variation 2708494 (VCV002708494.3), dbSNP rs2543764468, ClinGen allele CA394276543.

ClinVar aggregate classification (germline): Uncertain significance (1 of 4 stars; one submission).

Conditions:
Tuberous sclerosis 2 (TSC2). Identifiers: Orphanet 805, MedGen C1860707, MONDO:0013199, OMIM 613254.

gnomAD v4.1: 1 of 1,613,630 alleles (0.000062%); highest among the groups gnomAD compares: East Asian, 0.0022%; no homozygotes.

Submission:

Labcorp Genetics (formerly Invitae), Labcorp
Classification: Uncertain significance for Tuberous sclerosis 2. Last evaluated: 2024-08-05. Review status: criteria provided, single submitter. Criteria: Invitae Variant Classification Sherloc (09022015). Collection method: clinical testing. Allele origin: germline.
Comment: This sequence change replaces glycine, which is neutral and non-polar, with alanine, which is neutral and non-polar, at codon 756 of the TSC2 protein (p.Gly756Ala). This variant is not present in population databases (gnomAD no frequency). This variant has not been reported in the literature in individuals affected with TSC2-related conditions. Advanced modeling of protein sequence and biophysical properties (such as structural, functional, and spatial information, amino acid conservation, physicochemical variation, residue mobility, and thermodynamic stability) performed at Invitae indicates that this missense variant is not expected to disrupt TSC2 protein function with a negative predictive value of 95%. In summary, the available evidence is currently insufficient to determine the role of this variant in disease. Therefore, it has been classified as a Variant of Uncertain Significance.